The following is an entry in ClinVar:

NM_004370.6(COL12A1):c.5208C>A (p.Asp1736Glu)

Gene: COL12A1 (collagen type XII alpha 1 chain; minus strand). Cytogenetic location: 6q13.
Variant type: single nucleotide variant.
Coding change: c.5208C>A on transcript NM_004370.6 (MANE Select); coding-DNA position 5208, C replaced by A.
Protein change: p.Asp1736Glu; replaces aspartic acid 1736 with glutamic acid.
Molecular consequence: missense variant.
Genome position (GRCh38, 1-based): chr6:75,138,470, G>T on the plus strand (C>A on the coding strand, the complement: COL12A1 is on the minus strand). VCF-style: chr6-75138470-G-T. GRCh37 (hg19) VCF-style: chr6-75848186-G-T.
Other names: c.1716C>A, p.Asp572Glu (NM_080645.3); short protein forms D1736E, D572E.
Identifiers: ClinVar variation 654445 (VCV000654445.9), dbSNP rs776561287, ClinGen allele CA3893230.
Genomic context (GRCh38, chr6:75,138,470, plus strand): 5'-TAAAATATCAATGTCCTATTTGAAAGCTAAACACCTACGTGTGCGCTCACTGCCAATCAG[G>T]TCATCACTTTCTGACTCATCAGGATAGATGGCAGTAATGGAAACTTCATAGATGGTGTTG-3'
Protein context (NP_004361.3, residues 1726-1746): AIYPDESESD[Asp1736Glu]LIGSERTLPI

ClinVar aggregate classification (germline): Conflicting classifications of pathogenicity. Review status: criteria provided, conflicting classifications (1 of 4 stars). 3 submissions from 3 submitters: Uncertain significance (2); Likely benign (1). Last evaluated 2025-10-07.

Conditions:
Ullrich congenital muscular dystrophy 2 (UCMD2). Identifiers: Orphanet 75840, MedGen C4225314, MONDO:0014654, OMIM 616470.
Bethlem myopathy 2 (BTHLM2). Identifiers: Orphanet 536516, Orphanet 610, MedGen C4225313, MONDO:0034022, OMIM 616471.

Allele frequency attached by ClinVar (database versions not stated): ExAC 0.00002; gnomAD 0.00002; TOPMed 0.00001; gnomAD exomes 0.00002.
gnomAD v4.1: 26 of 1,613,794 alleles (0.0016%); highest among the groups gnomAD compares: Non-Finnish European, 0.0021%; no homozygotes.

Submissions (3):

Women's Health and Genetics/Laboratory Corporation of America, LabCorp
Classification: Uncertain significance. Last evaluated: 2025-10-07. Review status: criteria provided, single submitter. Criteria: LabCorp Variant Classification Summary - May 2015. Collection method: clinical testing. Allele origin: germline.
Comment: Variant summary: COL12A1 c.5208C>A (p.Asp1736Glu) results in a conservative amino acid change in the encoded protein sequence. Algorithms developed to predict the effect of missense changes on protein structure and function all suggest that this variant is likely to be tolerated. The variant allele was found at a frequency of 2.4e-05 in 248956 control chromosomes. The available data on variant occurrences in the general population are insufficient to allow any conclusion about variant significance. To our knowledge, no occurrence of c.5208C>A in individuals affected with COL12A1-related conditions and no experimental evidence demonstrating its impact on protein function have been reported. ClinVar contains an entry for this variant (Variation ID: 654445). Based on the evidence outlined above, the variant was classified as uncertain significance.

Labcorp Genetics (formerly Invitae), Labcorp
Classification: Likely benign for Bethlem myopathy 2; Ullrich congenital muscular dystrophy 2. Last evaluated: 2025-07-15. Review status: criteria provided, single submitter. Criteria: Invitae Variant Classification Sherloc (09022015). Collection method: clinical testing. Allele origin: germline.

GeneDx
Classification: Uncertain significance. Last evaluated: 2023-05-09. Review status: criteria provided, single submitter. Criteria: GeneDx Variant Classification Process June 2021. Collection method: clinical testing. Allele origin: germline. Affected: yes.
Comment: In silico analysis supports that this missense variant does not alter protein structure/function; Has not been previously published as pathogenic or benign to our knowledge